The following is an entry in ClinVar:

NM_004208.4(AIFM1):c.76_77delinsTC (p.Arg26Ser)

Genes: RAB33A (RAB33A, member RAS oncogene family; plus strand), AIFM1 (apoptosis inducing factor mitochondria associated 1; minus strand), LOC130068679 (ATAC-STARR-seq lymphoblastoid active region 29939; plus strand). Cytogenetic location: Xq26.1.
Variant type: Indel.
Coding change: c.76_77delinsTC on transcript NM_004208.4 (MANE Select); coding-DNA positions 76 to 77, CG replaced by TC.
Protein change: p.Arg26Ser; replaces arginine 26 with serine.
Molecular consequence: missense variant. On other transcripts: non-coding transcript variant (1).
Genome position (GRCh38, 1-based): chrX:130,165,580-130,165,581, CG replaced by GA on the plus strand (CG replaced by TC on the coding strand, the reverse complement: AIFM1 is on the minus strand). VCF-style: chrX-130165580-CG-GA. GRCh37 (hg19) VCF-style: chrX-129299554-CG-GA.
Other names: c.76_77delinsTC, p.Arg26Ser (NM_001130847.4, NM_145812.3); short protein forms R26S.
Identifiers: ClinVar variation 3367595 (VCV003367595.1).
Genomic context (GRCh38, chrX:130,165,580, plus strand): 5'-ACTTGGAGGTTGCCTGGAATGGGTCAGTCACCTGGGAGCCGGTTCCTCTGCCTCGGGCTT[CG>GA]GACGCACACGGTCCGCACCAAGGGCACCAGCTTCTGCTTCAAAGCACCCGCCGCCAGGCC-3'
Protein context (NP_004199.1, residues 16-36): LVPLVRTVCV[Arg26Ser]SPRQRNRLPG

ClinVar aggregate classification (germline): Uncertain significance (1 of 4 stars; one submission).

Submission:

GeneDx
Classification: Uncertain significance. Last evaluated: 2024-01-05. Review status: criteria provided, single submitter. Criteria: GeneDx Variant Classification Process June 2021. Collection method: clinical testing. Allele origin: germline. Affected: yes.
Comment: Not observed at significant frequency in large population cohorts (gnomAD); In silico analysis supports that this variant does not alter protein structure/function; Has not been previously published as pathogenic or benign to our knowledge